The following is an entry in ClinVar:

ClinVar aggregate classification (germline): Uncertain significance (1 of 4 stars; one submission).

gnomAD v4.1: 3 of 1,614,166 alleles (0.00019%); highest among the groups gnomAD compares: Non-Finnish European, 0.00025%; no homozygotes.

Submission:

Labcorp Genetics (formerly Invitae), Labcorp
Classification: Uncertain significance. Last evaluated: 2024-07-22. Review status: criteria provided, single submitter. Criteria: Invitae Variant Classification Sherloc (09022015). Collection method: clinical testing. Allele origin: germline.
Comment: This sequence change replaces serine, which is neutral and polar, with threonine, which is neutral and polar, at codon 406 of the TRAPPC9 protein (p.Ser406Thr). This variant is not present in population databases (gnomAD no frequency). This variant has not been reported in the literature in individuals affected with TRAPPC9-related conditions. ClinVar contains an entry for this variant (Variation ID: 1463180). An algorithm developed to predict the effect of missense changes on protein structure and function (PolyPhen-2) suggests that this variant is likely to be disruptive. In summary, the available evidence is currently insufficient to determine the role of this variant in disease. Therefore, it has been classified as a Variant of Uncertain Significance.

NM_001160372.4(TRAPPC9):c.923G>C (p.Ser308Thr)

Gene: TRAPPC9 (trafficking protein particle complex subunit 9; minus strand). Cytogenetic location: 8q24.3.
Variant type: single nucleotide variant.
Coding change: c.923G>C on transcript NM_001160372.4 (MANE Select); coding-DNA position 923, G replaced by C.
Protein change: p.Ser308Thr; replaces serine 308 with threonine.
Molecular consequence: missense variant. On other transcripts: non-coding transcript variant (1).
Genome position (GRCh38, 1-based): chr8:140,405,662, C>G on the plus strand (G>C on the coding strand, the complement: TRAPPC9 is on the minus strand). VCF-style: chr8-140405662-C-G. GRCh37 (hg19) VCF-style: chr8-141415761-C-G.
Other names: c.896G>C, p.Ser299Thr (NM_001321646.2); c.944G>C, p.Ser315Thr (NM_001374682.1); c.923G>C, p.Ser308Thr (NM_001374683.1, NM_001374684.1, NM_031466.8); short protein forms S299T, S308T, S315T.
Identifiers: ClinVar variation 1463180 (VCV001463180.6), dbSNP rs2132432375, ClinGen allele CA372320769.